The following is an entry in ClinVar:

NM_001012339.3(DNAJC21):c.966G>A (p.Ser322=)

Gene: DNAJC21 (DnaJ heat shock protein family (Hsp40) member C21; plus strand). Cytogenetic location: 5p13.2.
Variant type: single nucleotide variant.
Coding change: c.966G>A on transcript NM_001012339.3 (MANE Select); coding-DNA position 966, G replaced by A.
Protein change: p.Ser322=; no amino-acid change (serine 322 retained).
Molecular consequence: synonymous variant.
Genome position (GRCh38, 1-based): chr5:34,941,166, G>A. VCF-style: chr5-34941166-G-A. GRCh37 (hg19) VCF-style: chr5-34941271-G-A.
Other names: c.966G>A (NM_001012339.2); c.966G>A, p.Ser322= (NM_001348420.2, NM_194283.4).
Identifiers: ClinVar variation 1158072 (VCV001158072.13), dbSNP rs759074512, ClinGen allele CA3228641.
Genomic context (GRCh38, chr5:34,941,166, plus strand): 5'-TGATGAGGCCGAGGACGCTGAGCTCTATGATGACCTTTACTGCCCAGCATGTGACAAATC[G>A]TTCAAGACAGAAAAGGCGTAAGTTTATTAATTTAATTTAATTTAATTTTGAGACAGGGTC-3'
Protein context (NP_001012339.2, residues 312-332): DDLYCPACDK[Ser322=]FKTEKAMKNH

ClinVar aggregate classification (germline): Likely benign. Review status: criteria provided, multiple submitters, no conflicts (2 of 4 stars). 4 submissions from 4 submitters: Likely benign (3). 1 of the submissions does not count toward it. Last evaluated 2026-09-01.

Conditions:
DNAJC21-related disorder. Also called: DNAJC21-related condition.

Allele frequency attached by ClinVar (database versions not stated): ExAC 0.00001; gnomAD 0.00001 and 0.00003; gnomAD exomes 0.00010.
gnomAD v4.1: 80 of 1,613,876 alleles (0.005%); highest among the groups gnomAD compares: Admixed American, 0.055%; no homozygotes.

Submissions (4):

CeGaT Center for Human Genetics Tuebingen
Classification: Likely benign. Last evaluated: 2026-09-01. Review status: criteria provided, single submitter. Criteria: CeGaT Center For Human Genetics Tuebingen Variant Classification Criteria Version 2. Collection method: clinical testing. Allele origin: germline. Affected: yes. Observed: 2 variant alleles.
Comment: DNAJC21: BP4, BP7

Labcorp Genetics (formerly Invitae), Labcorp
Classification: Likely benign. Last evaluated: 2026-01-06. Review status: criteria provided, single submitter. Criteria: Invitae Variant Classification Sherloc (09022015). Collection method: clinical testing. Allele origin: germline.

Blueprint Genetics
Classification: Likely benign. Last evaluated: 2024-05-09. Review status: criteria provided, single submitter. Criteria: ACMG Guidelines, 2015. Collection method: clinical testing. Allele origin: germline.

PreventionGenetics, part of Exact Sciences
Classification: Likely benign for DNAJC21-related condition. Last evaluated: 2024-02-22. Review status: no assertion criteria provided. Collection method: clinical testing. Allele origin: germline. Not counted in ClinVar's aggregate classification.
Comment: This variant is classified as likely benign based on ACMG/AMP sequence variant interpretation guidelines (Richards et al. 2015 PMID: 25741868, with internal and published modifications).